The following is an entry in ClinVar:

ClinVar aggregate classification (germline): Conflicting classifications of pathogenicity. Review status: criteria provided, conflicting classifications (1 of 4 stars). 9 submissions from 9 submitters: Uncertain significance (7); Likely benign (2). Last evaluated 2026-07-01.

Conditions:
Hereditary cancer-predisposing syndrome. Also called: Hereditary neoplastic syndrome; Neoplastic Syndromes, Hereditary; Hereditary Cancer Syndrome; Tumor predisposition. Identifiers: Orphanet 140162, MedGen C0027672, MeSH D009386, MONDO:0015356.
Intellectual disability, autosomal dominant 16 (CSS4). Also called: COFFIN-SIRIS SYNDROME 4. Identifiers: Orphanet 1465, MedGen C3553249, MONDO:0013821, OMIM 614609.
Rhabdoid tumor predisposition syndrome 2 (RTPS2). Identifiers: Orphanet 231108, Orphanet 69077, MedGen C2750074, MONDO:0013224, OMIM 613325.
SMARCA4-related disorder. Also called: SMARCA4-related condition.

Allele frequency attached by ClinVar (database versions not stated): gnomAD exomes 0.00002 and 0.00006; gnomAD 0.00007 and 0.00009; ExAC 0.00008; TOPMed 0.00011; ESP Exome Variant Server 0.00015.
gnomAD v4.1: 39 of 1,613,922 alleles (0.0024%); highest among the groups gnomAD compares: Admixed American, 0.017%; no homozygotes.

Submissions (9):

CeGaT Center for Human Genetics Tuebingen
Classification: Likely benign. Last evaluated: 2026-07-01. Review status: criteria provided, single submitter. Criteria: CeGaT Center For Human Genetics Tuebingen Variant Classification Criteria Version 2. Collection method: clinical testing. Allele origin: germline. Affected: yes. Observed: 1 variant allele.
Comment: SMARCA4: BP4, BS2

PreventionGenetics, part of Exact Sciences
Classification: Uncertain significance for SMARCA4-related condition. Last evaluated: 2026-01-13. Review status: criteria provided, single submitter. Criteria: ACMG Guidelines, 2015. Collection method: clinical testing. Allele origin: germline.
Comment: The SMARCA4 c.263C>T variant is predicted to result in the amino acid substitution p.Pro88Leu. To our knowledge, this variant has not been reported in the literature. This variant is reported in 0.028% of alleles in individuals of African descent in gnomAD and has conflicting classifications listed in ClinVar ranging from uncertain to likely benign (ClinVar ID: 408707). Although we suspect that this variant may be benign, at this time, the clinical significance of this variant is uncertain due to the absence of conclusive functional and genetic evidence.

Labcorp Genetics (formerly Invitae), Labcorp
Classification: Uncertain significance for Rhabdoid tumor predisposition syndrome 2. Last evaluated: 2025-11-05. Review status: criteria provided, single submitter. Criteria: Invitae Variant Classification Sherloc (09022015). Collection method: clinical testing. Allele origin: germline.
Comment: This sequence change replaces proline, which is neutral and non-polar, with leucine, which is neutral and non-polar, at codon 88 of the SMARCA4 protein (p.Pro88Leu). This variant is present in population databases (rs371056395, gnomAD 0.02%). This variant has not been reported in the literature in individuals affected with SMARCA4-related conditions. ClinVar contains an entry for this variant (Variation ID: 408707). Invitae Evidence Modeling of protein sequence and biophysical properties (such as structural, functional, and spatial information, amino acid conservation, physicochemical variation, residue mobility, and thermodynamic stability) indicates that this missense variant is not expected to disrupt SMARCA4 protein function with a negative predictive value of 95%. In summary, the available evidence is currently insufficient to determine the role of this variant in disease. Therefore, it has been classified as a Variant of Uncertain Significance.

Quest Diagnostics Nichols Institute San Juan Capistrano
Classification: Uncertain significance. Last evaluated: 2024-05-28. Review status: criteria provided, single submitter. Criteria: Quest Diagnostics criteria. Collection method: clinical testing. Allele origin: unknown.
Comment: The SMARCA4 c.263C>T (p.Pro88Leu) variant has not been reported in individuals with SMARCA4-related conditions in the published literature. The frequency of this variant in the general population, 0.00028 (7/24934 chromosomes in African/African American subpopulation (Genome Aggregation Database)), is higher than would generally be expected for pathogenic variants in this gene. Analysis of this variant using bioinformatics tools for the prediction of the effect of amino acid changes on protein structure and function yielded predictions that this variant is benign. Based on the available information, we are unable to determine the clinical significance of this variant.

Baylor Genetics
Classification: Uncertain significance for Rhabdoid tumor predisposition syndrome 2. Last evaluated: 2024-02-11. Review status: criteria provided, single submitter. Criteria: ACMG Guidelines, 2015. Collection method: clinical testing. Allele origin: unknown. Study: CSER-TexasKidsCanSeq.

GeneDx
Classification: Uncertain significance. Last evaluated: 2023-07-07. Review status: criteria provided, single submitter. Criteria: GeneDx Variant Classification Process June 2021. Collection method: clinical testing. Allele origin: germline. Affected: yes.
Comment: In silico analysis supports that this missense variant has a deleterious effect on protein structure/function; Has not been previously published as pathogenic or benign to our knowledge; This variant is associated with the following publications: (PMID: 28166811)

St. Jude Molecular Pathology, St. Jude Children's Research Hospital
Classification: Uncertain significance for Rhabdoid tumor predisposition syndrome 2. Last evaluated: 2023-04-20. Review status: criteria provided, single submitter. Criteria: St. Jude Assertion Criteria 2020. Collection method: clinical testing. Allele origin: germline.
Comment: The SMARCA4 c.263C>T (p.Pro88Leu) missense change has a maximum subpopulation frequency of 0.028% in gnomAD v2.1.1. The in silico tool REVEL predicts a benign effect on protein function, but to our knowledge this prediction has not been confirmed by functional studies. To our knowledge, this variant has not been reported in individuals with rhabdoid tumor predisposition syndrome. In summary, the evidence currently available is insufficient to determine the clinical significance of this variant. It has therefore been classified as of uncertain significance.

Ambry Genetics
Classification: Likely benign for Hereditary cancer-predisposing syndrome. Last evaluated: 2021-11-04. Review status: criteria provided, single submitter. Criteria: Ambry Variant Classification Scheme 2023. Collection method: clinical testing. Allele origin: germline.

Genome-Nilou Lab
Classification: Uncertain significance for Intellectual disability, autosomal dominant 16. Last evaluated: 2021-07-15. Review status: criteria provided, single submitter. Criteria: ACMG Guidelines, 2015. Collection method: clinical testing. Allele origin: germline. Affected: no.

NM_003072.5(SMARCA4):c.263C>T (p.Pro88Leu)

Gene: SMARCA4 (SWI/SNF related BAF chromatin remodeling complex subunit ATPase 4; plus strand). Cytogenetic location: 19p13.2.
Variant type: single nucleotide variant.
Coding change: c.263C>T on transcript NM_003072.5 (MANE Select); coding-DNA position 263, C replaced by T.
Protein change: p.Pro88Leu; replaces proline 88 with leucine.
Molecular consequence: missense variant. On other transcripts: non-coding transcript variant (1).
Genome position (GRCh38, 1-based): chr19:10,985,313, C>T. VCF-style: chr19-10985313-C-T. GRCh37 (hg19) VCF-style: chr19-11095989-C-T.
Other names: c.263C>T, p.Pro88Leu (NM_001128844.3, NM_001128845.2, NM_001128846.2 and 5 more transcripts); c.263C>T (NM_001128849.2); short protein forms P88L.
Identifiers: ClinVar variation 408707 (VCV000408707.24), dbSNP rs371056395, ClinGen allele CA9203446.